The following is an entry in ClinVar:

NM_001394062.1(MACF1):c.18356C>A (p.Thr6119Asn)

Gene: MACF1 (microtubule actin crosslinking factor 1; plus strand). Cytogenetic location: 1p34.3.
Variant type: single nucleotide variant.
Coding change: c.18356C>A on transcript NM_001394062.1 (MANE Select); coding-DNA position 18356, C replaced by A.
Protein change: p.Thr6119Asn; replaces threonine 6119 with asparagine.
Molecular consequence: missense variant.
Genome position (GRCh38, 1-based): chr1:39,439,409, C>A. VCF-style: chr1-39439409-C-A. GRCh37 (hg19) VCF-style: chr1-39905081-C-A.
Other names: c.6434C>A, p.Thr2145Asn (NM_001397473.1); c.12179C>A, p.Thr4060Asn (NM_012090.5); short protein forms T2145N, T4060N, T6119N.
Identifiers: ClinVar variation 4884442 (VCV004884442.1).

ClinVar aggregate classification (germline): Likely benign (1 of 4 stars; one submission).

Conditions:
Lissencephaly 9 with complex brainstem malformation. Identifiers: Orphanet 572013, MedGen C5193029, MONDO:0032677, OMIM 618325.

Submission:

Centre for Medical Genetics,  Mumbai
Classification: Likely benign for Lissencephaly 9 with complex brainstem malformation. Last evaluated: 2026-06-04. Review status: criteria provided, single submitter. Criteria: ACMG Guidelines, 2015. Collection method: provider interpretation. Allele origin: germline. Inheritance: Autosomal dominant inheritance. Affected: no. Observed: 1 variant allele, 1 heterozygote.
Comment: The variant satisfies PM2 criteria - extremely low frequency in gnomAD population databases. The variant satisfies PP2 criteria - missense variant in a gene with low rate of benign missense mutations and for which missense mutation is a common mechanism of a disease. The variant satisfies BP4 criteria - for a missense or a splice region variant, computational prediction tools unanimously support a benign effect on the gene. However, the variant satisfies BS2 criteria - present in heterozygous state in an individual that clinically does not have Lissencephaly 9 with complex brainstem malformation.

Literature cited by the submitters: PubMed 30471716.